The following is an entry in ClinVar:

NM_000038.6(APC):c.5971_5972insGGGCAGCATCTGATGAAAAGTTACAGAATTTTGCTATTGAAAATACTCCAGTTTGCTTTTCTCATAATTCCTCTCTGAGTTCTCTCAGTGACATTGACCAAGAAAACAACAATAAAGAAAATGAACCTATCAAAGAGACT (p.Glu1991fs)

Gene: APC (APC regulator of Wnt signaling pathway; plus strand). Cytogenetic location: 5q22.2.
Variant type: Insertion.
Coding change: c.5971_5972insGGGCAGCATCTGATGAAAAGTTACAGAATTTTGCTATTGAAAATACTCCAGTTTGCTTTTCTCATAATTCCTCTCTGAGTTCTCTCAGTGACATTGACCAAGAAAACAACAATAAAGAAAATGAACCTATCAAAGAGACT on transcript NM_000038.6 (MANE Select); coding-DNA positions 5971 to 5972, GGGCAGCATCTGATGAAAAGTTACAGAATTTTGCTATTGAAAATACTCCAGTTTGCTTTTCTCATAATTCCTCTCTGAGTTCTCTCAGTGACATTGACCAAGAAAACAACAATAAAGAAAATGAACCTATCAAAGAGACT inserted.
Protein change: p.Glu1991fs; shifts the reading frame from glutamic acid 1991.
Molecular consequence: frameshift variant. On other transcripts: non-coding transcript variant (2).
Genome position: GRCh38: chr5:112,841,565-112,841,566. GRCh37 (hg19): chr5:112,177,262-112,177,263.
Other names: c.5971_5972insGGGCAGCATCTGATGAAAAGTTACAGAATTTTGCTATTGAAAATACTCCAGTTTGCTTTTCTCATAATTCCTCTCTGAGTTCTCTCAGTGACATTGACCAAGAAAACAACAATAAAGAAAATGAACCTATCAAAGAGACT, p.Glu1991fs (NM_001127510.3, NM_001354895.2, NM_001407450.1); c.5917_5918insGGGCAGCATCTGATGAAAAGTTACAGAATTTTGCTATTGAAAATACTCCAGTTTGCTTTTCTCATAATTCCTCTCTGAGTTCTCTCAGTGACATTGACCAAGAAAACAACAATAAAGAAAATGAACCTATCAAAGAGACT, p.Glu1973fs (NM_001127511.3); c.6025_6026insGGGCAGCATCTGATGAAAAGTTACAGAATTTTGCTATTGAAAATACTCCAGTTTGCTTTTCTCATAATTCCTCTCTGAGTTCTCTCAGTGACATTGACCAAGAAAACAACAATAAAGAAAATGAACCTATCAAAGAGACT, p.Glu2009fs (NM_001354896.2, NM_001407447.1, NM_001407448.1 and 1 more transcripts); c.6001_6002insGGGCAGCATCTGATGAAAAGTTACAGAATTTTGCTATTGAAAATACTCCAGTTTGCTTTTCTCATAATTCCTCTCTGAGTTCTCTCAGTGACATTGACCAAGAAAACAACAATAAAGAAAATGAACCTATCAAAGAGACT, p.Glu2001fs (NM_001354897.2); c.5896_5897insGGGCAGCATCTGATGAAAAGTTACAGAATTTTGCTATTGAAAATACTCCAGTTTGCTTTTCTCATAATTCCTCTCTGAGTTCTCTCAGTGACATTGACCAAGAAAACAACAATAAAGAAAATGAACCTATCAAAGAGACT, p.Glu1966fs (NM_001354898.2); c.5887_5888insGGGCAGCATCTGATGAAAAGTTACAGAATTTTGCTATTGAAAATACTCCAGTTTGCTTTTCTCATAATTCCTCTCTGAGTTCTCTCAGTGACATTGACCAAGAAAACAACAATAAAGAAAATGAACCTATCAAAGAGACT, p.Glu1963fs (NM_001354899.2); c.5848_5849insGGGCAGCATCTGATGAAAAGTTACAGAATTTTGCTATTGAAAATACTCCAGTTTGCTTTTCTCATAATTCCTCTCTGAGTTCTCTCAGTGACATTGACCAAGAAAACAACAATAAAGAAAATGAACCTATCAAAGAGACT, p.Glu1950fs (NM_001354900.2); c.5794_5795insGGGCAGCATCTGATGAAAAGTTACAGAATTTTGCTATTGAAAATACTCCAGTTTGCTTTTCTCATAATTCCTCTCTGAGTTCTCTCAGTGACATTGACCAAGAAAACAACAATAAAGAAAATGAACCTATCAAAGAGACT, p.Glu1932fs (NM_001354901.2, NM_001407453.1); and 11 more; short protein forms E1862fs, E1932fs, E1984fs, E2001fs, E1865fs, E1890fs, E1981fs, E1991fs.
Identifiers: ClinVar variation 4729740 (VCV004729740.1).

ClinVar aggregate classification (germline): Pathogenic (1 of 4 stars; one submission).

Conditions:
Familial adenomatous polyposis 1 (FAP1). Also called: FAMILIAL ADENOMATOUS POLYPOSIS 1, ATTENUATED; POLYPOSIS, ADENOMATOUS INTESTINAL. Identifiers: MedGen C2713442, MONDO:0021056, OMIM 175100. Disease mechanism: loss of function.

Submission:

Labcorp Genetics (formerly Invitae), Labcorp
Classification: Pathogenic for Familial adenomatous polyposis 1. Last evaluated: 2025-11-05. Review status: criteria provided, single submitter. Criteria: Invitae Variant Classification Sherloc (09022015). Collection method: clinical testing. Allele origin: germline.
Comment: This sequence change creates a premature translational stop signal (p.Glu1991Glyfs*100) in the APC gene. While this is not anticipated to result in nonsense mediated decay, it is expected to disrupt the last 853 amino acid(s) of the APC protein. This variant is not present in population databases (gnomAD no frequency). This variant has not been reported in the literature in individuals affected with APC-related conditions. This variant is expected to disrupt the EB1 and HDLG binding sites, which mediate interactions with the cytoskeleton (PMID: 15311282, 17293347). While functional studies have not been performed to directly test the effect on APC protein function, this suggests that disruption of the C-terminal portion of the protein is functionally important. A different truncation (p.Tyr2645Lysfs*14) that lies downstream of this variant has been determined to be pathogenic (PMID: 9824584, 1316610, 27081525, 8381579, 22135120, internal data). This suggests that deletion of this region of the APC protein is causative of disease. For these reasons, this variant has been classified as Pathogenic.

Literature cited by the submitters: PubMed 15311282; PubMed 17293347; PubMed 9824584; PubMed 1316610; PubMed 27081525; PubMed 8381579; PubMed 22135120.